The following is an entry in ClinVar:

NM_172107.4(KCNQ2):c.557G>T (p.Gly186Val)

Gene: KCNQ2 (potassium voltage-gated channel subfamily Q member 2; minus strand). Cytogenetic location: 20q13.33.
Variant type: single nucleotide variant.
Coding change: c.557G>T on transcript NM_172107.4 (MANE Select); coding-DNA position 557, G replaced by T.
Protein change: p.Gly186Val; replaces glycine 186 with valine.
Molecular consequence: missense variant.
Genome position (GRCh38, 1-based): chr20:63,444,792, C>A on the plus strand (G>T on the coding strand, the complement: KCNQ2 is on the minus strand). VCF-style: chr20-63444792-C-A. GRCh37 (hg19) VCF-style: chr20-62076145-C-A.
Other names: c.557G>T (NM_172107.2); c.557G>T, p.Gly186Val (NM_001382235.1, NM_004518.6, NM_172106.3 and 2 more transcripts); short protein forms G186V.
Identifiers: ClinVar variation 2810602 (VCV002810602.4), dbSNP rs868761735, ClinGen allele CA409654887.

ClinVar aggregate classification (germline): Conflicting classifications of pathogenicity. Review status: criteria provided, conflicting classifications (1 of 4 stars). 2 submissions from 2 submitters: Pathogenic (1); Uncertain significance (1). Last evaluated 2025-03-21.

Conditions:
Early-infantile DEE. Also called: Early infantile epileptic encephalopathy; Early infantile epileptic encephalopathy with suppression bursts; Ohtahara syndrome. Identifiers: Orphanet 1934, MedGen C0393706, MONDO:0800491.

Submissions (2):

GeneDx
Classification: Pathogenic. Last evaluated: 2025-03-21. Review status: criteria provided, single submitter. Criteria: GeneDx Variant Classification Process June 2021. Collection method: clinical testing. Allele origin: germline. Affected: yes.
Comment: Not observed at significant frequency in large population cohorts (gnomAD); In silico analysis supports that this missense variant has a deleterious effect on protein structure/function; In silico analysis suggests this variant may impact gene splicing. In the absence of RNA/functional studies, the actual effect of this sequence change is unknown.; This substitution is predicted to be within the transmembrane segment S3; Has not been previously published as pathogenic or benign to our knowledge

Labcorp Genetics (formerly Invitae), Labcorp
Classification: Uncertain significance for Early-infantile DEE. Last evaluated: 2022-10-29. Review status: criteria provided, single submitter. Criteria: Invitae Variant Classification Sherloc (09022015). Collection method: clinical testing. Allele origin: germline.
Comment: In summary, the available evidence is currently insufficient to determine the role of this variant in disease. Therefore, it has been classified as a Variant of Uncertain Significance. Algorithms developed to predict the effect of sequence changes on RNA splicing suggest that this variant may create or strengthen a splice site. Advanced modeling of protein sequence and biophysical properties (such as structural, functional, and spatial information, amino acid conservation, physicochemical variation, residue mobility, and thermodynamic stability) performed at Invitae indicates that this missense variant is expected to disrupt KCNQ2 protein function. This variant has not been reported in the literature in individuals affected with KCNQ2-related conditions. This variant is not present in population databases (gnomAD no frequency). This sequence change replaces glycine, which is neutral and non-polar, with valine, which is neutral and non-polar, at codon 186 of the KCNQ2 protein (p.Gly186Val).